The following is an entry in ClinVar:

NM_000053.4(ATP7B):c.1463dup (p.Lys489fs)

Gene: ATP7B (ATPase copper transporting beta; minus strand). Cytogenetic location: 13q14.3.
Variant type: Duplication.
Coding change: c.1463dup on transcript NM_000053.4 (MANE Select); coding-DNA position 1463, one base duplicated (A; older notation c.1463dupA).
Protein change: p.Lys489fs; shifts the reading frame from lysine 489.
Molecular consequence: frameshift variant. On other transcripts: intron variant (1).
Genome position (GRCh38, 1-based): chr13:51,970,572, T duplicated on the plus strand (A on the coding strand, the reverse complement: ATP7B is on the minus strand). VCF-style (leftmost placement, unchanged base first): chr13-51970571-C-CT. GRCh37 (hg19) VCF-style: chr13-52544707-C-CT.
Other names: c.1463dup, p.Lys489fs (NM_001005918.3, NM_001330578.2, NM_001330579.2 and 28 more transcripts); c.1130dup, p.Lys378fs (NM_001243182.2); c.1367dup, p.Lys457fs (NM_001406517.1, NM_001406518.1, NM_001406530.1 and 3 more transcripts); c.1034dup, p.Lys346fs (NM_001406539.1); c.1285+3363dup (NM_001406548.1); short protein forms K378fs, K489fs, K457fs, K346fs.
Identifiers: ClinVar variation 2819646 (VCV002819646.3), dbSNP rs2547793496, ClinGen allele CA2739277632.

ClinVar aggregate classification (germline): Pathogenic (1 of 4 stars; one submission).

Conditions:
Wilson disease (WND). Also called: Wilson's disease. Identifiers: Orphanet 905, MedGen C0019202, MONDO:0010200, OMIM 277900. Disease mechanism: loss of function.

Submission:

Labcorp Genetics (formerly Invitae), Labcorp
Classification: Pathogenic for Wilson disease. Last evaluated: 2023-09-04. Review status: criteria provided, single submitter. Criteria: Invitae Variant Classification Sherloc (09022015). Collection method: clinical testing. Allele origin: germline.
Comment: This sequence change creates a premature translational stop signal (p.Lys489Glufs*17) in the ATP7B gene. It is expected to result in an absent or disrupted protein product. Loss-of-function variants in ATP7B are known to be pathogenic (PMID: 10441329, 16283883). For these reasons, this variant has been classified as Pathogenic. This variant has not been reported in the literature in individuals affected with ATP7B-related conditions. This variant is not present in population databases (gnomAD no frequency).

Literature cited by the submitters: PubMed 10441329; PubMed 16283883.